The following is an entry in ClinVar:

NC_000012.12:g.57768302G>T

Gene: CYP27B1 (cytochrome P450 family 27 subfamily B member 1; minus strand). Cytogenetic location: 12q14.1.
Variant type: single nucleotide variant.
Genome position: GRCh38 VCF-style: chr12-57768302-G-T. GRCh37 (hg19) VCF-style: chr12-58162085-G-T.
Identifiers: ClinVar variation 2413182 (VCV002413182.3), dbSNP rs10877012, ClinGen allele CA16445448.

ClinVar aggregate classification (germline): Likely risk allele (0 of 4 stars; one submission).

Conditions:
Vitamin D-dependent rickets, type 1A. Also called: VITAMIN D HYDROXYLATION-DEFICIENT RICKETS, TYPE 1A; PDDR IA; PSEUDOVITAMIN D-DEFICIENCY RICKETS, TYPE IA. Identifiers: MedGen CN283242, MONDO:0020723, OMIM 264700.

Allele frequency attached by ClinVar (database versions not stated): 1000 Genomes Project 30x 0.33745; 1000 Genomes Project 0.34864; TOPMed 0.26234; gnomAD 0.27802.

Submission:

Biology Molecular and Stem Cell Facilities Laboratory, National Cardiovascular Center, Harapan Kita Hospital
Classification: Likely risk allele for Vitamin D-dependent rickets, type 1A. Last evaluated: 2020-02-27. Review status: no assertion criteria provided. Collection method: research. Allele origin: biparental. Affected: yes.
Comment: CYP27B1 is the coding gene for 1alpha-hydroxylase enzyme. This enzyme is changed calcidiol into calcitriol. One of the functions of calcitriol is anti-inflammatory

Subject this research is STEMI and normal subject. This research is found polymorphisme on both subject.

Literature cited by the submitters: PubMed 32932410; PubMed 21107545.